The following is an entry in ClinVar:

ClinVar aggregate classification (germline): Uncertain significance (1 of 4 stars; one submission).

Conditions:
Dias-Logan syndrome. Also called: INTELLECTUAL DEVELOPMENTAL DISORDER WITH HEREDITARY PERSISTENCE OF FETAL HEMOGLOBIN; Intellectual developmental disorder with persistence of fetal hemoglobin. Identifiers: Orphanet 619233, MedGen C4310833, MONDO:0014914, OMIM 617101.

gnomAD v4.1: 3 of 1,614,014 alleles (0.00019%); highest among the groups gnomAD compares: Non-Finnish European, 0.00025%; no homozygotes.

Submission:

Regional Center For Medical Genetics Timis, Louis Turcanu Emergency Hospital for Children Timisoara
Classification: Uncertain significance for Dias-Logan syndrome. Last evaluated: 2025-04-29. Review status: criteria provided, single submitter. Criteria: ACMG Guidelines, 2015. Collection method: clinical testing. Allele origin: maternal. Affected: yes.
Comment: The variant is present in the general population at a very low frequency, with the highest frequency observed in the European population (gnomAD v4.1.0, allele frequency = 0.000002542). In silico predictions are inconclusive. The variant is present in 2 of the 3 major transcripts expressed in the brain (XL and L isoforms) and absent from the S transcript. The BCL11A gene is known to be less tolerant to missense variation. To our knowledge, this variant has not been previously reported in the literature. Based on the available evidence, this variant is classified as of uncertain significance (VUS).

NM_022893.4(BCL11A):c.2188C>T (p.Pro730Ser)

Gene: BCL11A (BCL11 transcription factor A; minus strand). Cytogenetic location: 2p16.1.
Variant type: single nucleotide variant.
Coding change: c.2188C>T on transcript NM_022893.4 (MANE Select); coding-DNA position 2188, C replaced by T.
Protein change: p.Pro730Ser; replaces proline 730 with serine.
Molecular consequence: missense variant. On other transcripts: intron variant (6).
Genome position (GRCh38, 1-based): chr2:60,460,724, G>A on the plus strand (C>T on the coding strand, the complement: BCL11A is on the minus strand). VCF-style: chr2-60460724-G-A. GRCh37 (hg19) VCF-style: chr2-60687859-G-A.
Other names: c.2086C>T, p.Pro696Ser (NM_001363864.1, NM_001365609.1, NM_001405711.1 and 2 more transcripts); c.2188C>T, p.Pro730Ser (NM_001405708.1, NM_001405709.1, NM_001405710.1 and 1 more transcripts); c.2032C>T, p.Pro678Ser (NM_001405713.1, NM_001405714.1, NM_001405715.1 and 3 more transcripts); c.1930C>T, p.Pro644Ser (NM_001405717.1, NM_001405718.1, NM_001405724.1); c.1855C>T, p.Pro619Ser (NM_001405720.1, NM_001405721.1); c.1732C>T, p.Pro578Ser (NM_001405725.1, NM_001405726.1, NM_001405727.1 and 1 more transcripts); c.1495C>T, p.Pro499Ser (NM_001405729.1); c.1651C>T, p.Pro551Ser (NM_001405730.1); and 5 more; short protein forms P399S, P499S, P551S, P578S, P619S, P644S, P678S, P696S.
Identifiers: ClinVar variation 4526640 (VCV004526640.1).
Genomic context (GRCh38, chr2:60,460,724, plus strand): 5'-CTTTCCCACAGTACTCACAAGTGTCGCTGCGTCTGCCCTCTTTTGAGCTGGGCCTGCCCG[G>A]GCCCGGACCACTAATATGGGGCGTGCTCCCTCCACTTCCCGTGCCGCTGCGCCCCGAGAT-3'
Protein context (NP_075044.2, residues 720-740): GSTPHISGPG[Pro730Ser]GRPSSKEGRR